The following is an entry in ClinVar:

NM_002510.3(GPNMB):c.565C>T (p.Arg189Ter)

Gene: GPNMB (glycoprotein nmb; plus strand). Cytogenetic location: 7p15.3.
Variant type: single nucleotide variant.
Coding change: c.565C>T on transcript NM_002510.3 (MANE Select); coding-DNA position 565, C replaced by T.
Protein change: p.Arg189Ter; replaces arginine 189 with a stop codon.
Molecular consequence: nonsense.
Genome position (GRCh38, 1-based): chr7:23,260,003, C>T. VCF-style: chr7-23260003-C-T. GRCh37 (hg19) VCF-style: chr7-23299622-C-T.
Other names: GPNMB, ARG189TER (rs140352180); c.565C>T, p.Arg189Ter (NM_001005340.2); short protein forms R189*.
Identifiers: ClinVar variation 503497 (VCV000503497.8), dbSNP rs140352180, ClinGen allele CA4187446.
Genomic context (GRCh38, chr7:23,260,003, plus strand): 5'-ATGCAGCCAATAACTAAAAATTTCCATCCTCCCAAAGGTCAGTATTTCCAGAAATTGGGA[C>T]GATGTTCAGTGAGAGTTTCTGTGAACACAGCCAATGTGACACTTGGGCCTCAACTCATGG-3'

ClinVar aggregate classification (germline): Pathogenic. Review status: criteria provided, multiple submitters, no conflicts (2 of 4 stars). 4 submissions from 4 submitters: Pathogenic (3). 1 of the submissions does not count toward it. Last evaluated 2024-10-04.

Conditions:
Amyloidosis, primary localized cutaneous, 3. Also called: AMYLOIDOSIS CUTIS DYSCHROMICA. Identifiers: MedGen C4554421, MONDO:0054765, OMIM 617920.

Allele frequency attached by ClinVar (database versions not stated): TOPMed 0.00015; gnomAD 0.00016 and 0.00017; ESP Exome Variant Server 0.00023; 1000 Genomes Project 30x 0.00047; 1000 Genomes Project 0.00060.
gnomAD v4.1: 263 of 1,614,054 alleles (0.016%); highest among the groups gnomAD compares: East Asian, 0.12%; no homozygotes.

Submissions (4):

Division of Genetic & Genomic Pathology, Hong Kong Children's Hospital
Classification: Pathogenic for Amyloidosis, primary localized cutaneous, 3. Last evaluated: 2024-10-04. Review status: criteria provided, single submitter. Criteria: ACMG Guidelines, 2015. Collection method: clinical testing. Allele origin: germline. Affected: yes.
Comment: GPNMB c.565C>T p.(Arg189Ter) is a nonsense variant located in exon 5 (out of 11 exons) of the GPNMB gene. The variant is found in control populations at an allele frequency of 0.1158% (52 in 44,890 alleles) among East Asians and 0.01629% (263 in 1,614,054, 0 homozygotes) globally (gnomAD v4.1.0). The variant was detected homozygous or in trans with another GPNMB variant in multiple patients with amyloidosis cutis dyschromica (PMID: 29336782, 31226264, 32097499, 34551863). In-vitro functional studies showed lower level of protein mislocalized in the cytoplasma in HeLa cells transfected with cDNA harboring the variant (PMID: 29336782). This variant has been deposited as pathogenic in ClinVar (VCV000503497.4). For these reasons, GPNMB c.565C>T p.(Arg189Ter) is classified as pathogenic.

Revvity Omics, Revvity
Classification: Pathogenic for Amyloidosis, primary localized cutaneous, 3. Last evaluated: 2019-10-08. Review status: criteria provided, single submitter. Criteria: ACMG Guidelines, 2015. Collection method: clinical testing. Allele origin: germline.

Juno Genomics, Hangzhou Juno Genomics, Inc
Classification: Pathogenic for Amyloidosis, primary localized cutaneous, 3. Review status: criteria provided, single submitter. Criteria: ACMG Guidelines, 2015. Collection method: clinical testing. Allele origin: germline.
Comment: Null variant in a gene where loss of function (LOF) is a known mechanism of disease.;For recessive disorders, detected in trans with a pathogenic variant.;Co-segregation with disease in multiple affected family members.

OMIM
Classification: Pathogenic for AMYLOIDOSIS, PRIMARY LOCALIZED CUTANEOUS, 3. Last evaluated: 2018-03-27. Review status: no assertion criteria provided. Collection method: literature only. Allele origin: germline. Not counted in ClinVar's aggregate classification.

Literature cited by the submitters: PubMed 29336782 (cited by Division of Genetic & Genomic Pathology, Hong Kong Children's Hospital and OMIM); PubMed 31226264 (cited by Division of Genetic & Genomic Pathology, Hong Kong Children's Hospital); PubMed 32097499 (cited by Division of Genetic & Genomic Pathology, Hong Kong Children's Hospital); PubMed 34551863 (cited by Division of Genetic & Genomic Pathology, Hong Kong Children's Hospital); PubMed 19416385 (cited by OMIM).